The following is an entry in ClinVar:

ClinVar aggregate classification (germline): Uncertain significance (1 of 4 stars; one submission).

Conditions:
Cardiovascular phenotype. Identifiers: MedGen CN230736.

Submission:

Ambry Genetics
Classification: Uncertain significance for Cardiovascular phenotype. Last evaluated: 2026-06-12. Review status: criteria provided, single submitter. Criteria: Ambry Variant Classification Scheme 2023. Collection method: clinical testing. Allele origin: germline.
Comment: The p.G539E variant (also known as c.1616G>A), located in coding exon 14 of the PTPN11 gene, results from a G to A substitution at nucleotide position 1616. The glycine at codon 539 is replaced by glutamic acid, an amino acid with similar properties. This amino acid position is conserved. In addition, the in silico prediction for this alteration is inconclusive. Based on the available evidence, the clinical significance of this variant remains unclear.

NM_002834.5(PTPN11):c.1616G>A (p.Gly539Glu)

Gene: PTPN11 (protein tyrosine phosphatase non-receptor type 11; plus strand). Cytogenetic location: 12q24.13.
Variant type: single nucleotide variant.
Coding change: c.1616G>A on transcript NM_002834.5 (MANE Select); coding-DNA position 1616, G replaced by A.
Protein change: p.Gly539Glu; replaces glycine 539 with glutamic acid.
Molecular consequence: missense variant.
Genome position (GRCh38, 1-based): chr12:112,502,160, G>A. VCF-style: chr12-112502160-G-A. GRCh37 (hg19) VCF-style: chr12-112939964-G-A.
Other names: c.1628G>A, p.Gly543Glu (NM_001330437.2); c.1613G>A, p.Gly538Glu (NM_001374625.1); short protein forms G538E, G539E, G543E.
Identifiers: ClinVar variation 4862775 (VCV004862775.1).
Genomic context (GRCh38, chr12:112,502,160, plus strand): 5'-AAAATAACCATTGTCCCTCACATGTGCACTCTTCCAAATTTCAGAAAAGCAAGAGGAAAG[G>A]GCACGAATATACAAATATTAAGTATTCTCTAGCGGACCAGACGAGTGGAGATCAGAGCCC-3'
Protein context (NP_002825.3, residues 529-549): IEEEQKSKRK[Gly539Glu]HEYTNIKYSL